The following is an entry in ClinVar:

NM_198075.4(LRRC56):c.618C>T (p.Thr206=)

Gene: LRRC56 (leucine rich repeat containing 56; plus strand). Cytogenetic location: 11p15.5.
Variant type: single nucleotide variant.
Coding change: c.618C>T on transcript NM_198075.4 (MANE Select); coding-DNA position 618, C replaced by T.
Protein change: p.Thr206=; no amino-acid change (threonine 206 retained).
Molecular consequence: synonymous variant.
Genome position (GRCh38, 1-based): chr11:550,266, C>T. VCF-style: chr11-550266-C-T. GRCh37 (hg19) VCF-style: chr11-550266-C-T.
Identifiers: ClinVar variation 3048928 (VCV003048928.2), dbSNP rs147123987, ClinGen allele CA5779763.

ClinVar aggregate classification (germline): Likely benign (0 of 4 stars; one submission).

Conditions:
LRRC56-related disorder. Also called: LRRC56-related condition.

Allele frequency attached by ClinVar (database versions not stated): gnomAD 0.00001; TOPMed 0.00003; ExAC 0.00004; ESP Exome Variant Server 0.00008.
gnomAD v4.1: 8 of 1,586,670 alleles (0.0005%); highest among the groups gnomAD compares: African/African-American, 0.0054%; no homozygotes.

Submission:

PreventionGenetics, part of Exact Sciences
Classification: Likely benign for LRRC56-related condition. Last evaluated: 2019-12-06. Review status: no assertion criteria provided. Collection method: clinical testing. Allele origin: germline.
Comment: This variant is classified as likely benign based on ACMG/AMP sequence variant interpretation guidelines (Richards et al. 2015 PMID: 25741868, with internal and published modifications).